The following is an entry in ClinVar:

NM_007294.4(BRCA1):c.3908dup (p.Leu1303fs)

Genes: BRCA1 (BRCA1 DNA repair associated; minus strand), LOC126862571 (BRD4-independent group 4 enhancer GRCh37_chr17:41243136-41244335; plus strand). Cytogenetic location: 17q21.31.
Variant type: Duplication.
Coding change: c.3908dup on transcript NM_007294.4 (MANE Select); coding-DNA position 3908, one base duplicated (T; older notation c.3908dupT).
Protein change: p.Leu1303fs; shifts the reading frame from leucine 1303.
Molecular consequence: frameshift variant. On other transcripts: intron variant (135).
Genome position (GRCh38, 1-based): chr17:43,091,623, A duplicated on the plus strand (T on the coding strand, the reverse complement: BRCA1 is on the minus strand); the first of 2 consecutive A bases (chr17:43,091,623-43,091,624); duplicating either gives the same sequence. VCF-style (leftmost placement, unchanged base first): chr17-43091622-C-CA. GRCh37 (hg19) VCF-style: chr17-41243639-C-CA.
Other names: 4027insT; c.3908dup, p.Leu1303fs (NM_007294.3, NM_001407581.1, NM_001407582.1 and 31 more transcripts); c.3908dupT (NM_007294.3); c.3695dup, p.Leu1232fs (NM_001407571.1, NM_001407853.1, NM_001407894.1 and 9 more transcripts); c.3905dup, p.Leu1302fs (NM_001407587.1, NM_001407590.1, NM_001407591.1 and 22 more transcripts); c.3899dup, p.Leu1300fs (NM_001407646.1, NM_001407647.1); c.3785dup, p.Leu1262fs (NM_001407648.1, NM_001407665.1, NM_001407666.1 and 19 more transcripts); c.3782dup, p.Leu1261fs (NM_001407649.1, NM_001407670.1, NM_001407671.1 and 11 more transcripts); and 43 more; short protein forms L1256fs, L1303fs, L1176fs, L1192fs, L1214fs, L1236fs, L1261fs, L1277fs.
Identifiers: ClinVar variation 125658 (VCV000125658.20), dbSNP rs80357634, ClinGen allele CA002514.

ClinVar aggregate classification (germline): Pathogenic. Review status: reviewed by expert panel (3 of 4 stars). 6 submissions from 6 submitters: Pathogenic (1). 5 of the submissions do not count toward it. Last evaluated 2016-09-08.

Conditions:
Hereditary cancer-predisposing syndrome. Also called: Tumor predisposition; Hereditary neoplastic syndrome; Hereditary Cancer Syndrome; Neoplastic Syndromes, Hereditary. Identifiers: Orphanet 140162, MedGen C0027672, MeSH D009386, MONDO:0015356.
Hereditary breast ovarian cancer syndrome. Also called: Hereditary breast and/or ovarian cancer syndrome; Breast and ovarian cancer; Hereditary breast and ovarian cancer syndrome; Hereditary breast and ovarian cancer; Hereditary breast and ovarian cancer syndrome (HBOC); BRCA1- and BRCA2-Associated Hereditary Breast and Ovarian Cancer. Identifiers: Orphanet 145, MedGen C0677776, MeSH D061325, MONDO:0003582. Disease mechanism: loss of function.
Breast-ovarian cancer, familial, susceptibility to, 1 (BROVCA1). Also called: BRCA1 Hereditary Breast and Ovarian Cancer; OVARIAN CANCER, SUSCEPTIBILITY TO. Identifiers: Orphanet 145, MedGen C2676676, MONDO:0011450, OMIM 604370. Disease mechanism: loss of function.

Submissions (6):

Evidence-based Network for the Interpretation of Germline Mutant Alleles (ENIGMA)
Classification: Pathogenic for Breast-ovarian cancer, familial, susceptibility to, 1. Last evaluated: 2016-09-08. Review status: reviewed by expert panel. Criteria: ENIGMA BRCA1/2 Classification Criteria (2015). Collection method: curation. Allele origin: germline.
Comment: Variant allele predicted to encode a truncated non-functional protein.

Labcorp Genetics (formerly Invitae), Labcorp
Classification: Pathogenic for Hereditary breast ovarian cancer syndrome. Last evaluated: 2025-12-14. Review status: criteria provided, single submitter. Criteria: Invitae Variant Classification Sherloc (09022015). Collection method: clinical testing. Allele origin: germline. Not counted in ClinVar's aggregate classification.
Comment: This sequence change creates a premature translational stop signal (p.Leu1303Phefs*27) in the BRCA1 gene. It is expected to result in an absent or disrupted protein product. Loss-of-function variants in BRCA1 are known to be pathogenic (PMID: 20104584). This variant is not present in population databases (gnomAD no frequency). This premature translational stop signal has been observed in individual(s) referred for hereditary cancer panel testing (PMID: 26681312). ClinVar contains an entry for this variant (Variation ID: 125658). For these reasons, this variant has been classified as Pathogenic.

Variantyx, Inc.
Classification: Pathogenic for Breast-ovarian cancer, familial, susceptibility to, 1. Last evaluated: 2025-08-28. Review status: criteria provided, single submitter. Criteria: Variantyx Assertion Criteria 2022. Collection method: clinical testing. Allele origin: germline. Inheritance: Autosomal dominant inheritance. Not counted in ClinVar's aggregate classification.
Comment: This is a frameshift variant in the BRCA1 gene (OMIM: 113705). Pathogenic variants in this gene have been associated with autosomal dominant susceptibility to familial breast-ovarian cancer 1. The alteration introduces a premature termination codon in exon 10 out of 23 and is expected to result in loss of function, which is a known disease mechanism for BRCA1 (PMID:11157798;20104584) (PVS1). This is a protein termination codon (PTC) variant in an exon where a different proven pathogenic PTC variant has been previously reported in similarly affected individuals (ENIGMA ClinGen Variant Curation Expert Panel (VCEP)) (PM5_Strong). It is a rare alteration that is absent from control populations (PM2). Other reputable laboratories have reported this variant as pathogenic or likely pathogenic, and this classification has been validated by an expert panel in ClinVar. Based on the current evidence, this variant is classified as pathogenic for autosomal dominant susceptibility to familial breast-ovarian cancer 1.

GeneDx
Classification: Pathogenic. Last evaluated: 2016-08-04. Review status: criteria provided, single submitter. Criteria: GeneDx Variant Classification (06012015). Collection method: clinical testing. Allele origin: germline. Affected: yes. Not counted in ClinVar's aggregate classification.
Comment: This duplication of one nucleotide in BRCA1 is denoted c.3908dupT at the cDNA level and p.Leu1303PhefsX27 (L1303FfsX27) at the protein level. The normal sequence, with the base that is duplicated in braces, is GAAT[T]GGAA. The duplication causes a frameshift which changes a Leucine to a Phenylalanine at codon 1303, and creates a premature stop codon at position 27 of the new reading frame. This variant is predicted to cause loss of normal protein function through either protein truncation or nonsense-mediated mRNA decay. BRCA1 c.3908dupT was observed in one individual referred for clinical testing for inherited cancer (Susswein 2015). We consider this variant to be pathogenic.

Ambry Genetics
Classification: Pathogenic for Hereditary cancer-predisposing syndrome. Last evaluated: 2014-07-08. Review status: criteria provided, single submitter. Criteria: Ambry Variant Classification Scheme 2023. Collection method: clinical testing. Allele origin: germline. Not counted in ClinVar's aggregate classification.
Comment: The c.3908dupT pathogenic mutation, located in coding exon 9 of the BRCA1 gene, results from a duplication of T at nucleotide position 3908, causing a translational frameshift with a predicted alternate stop codon. Since frameshifts are typically deleterious in nature, this alteration is interpreted as a disease-causing mutation (ACMG Recommendations for Standards for Interpretation and Reporting of Sequence Variations. Revision 2007. Genet Med. 2008;10:294).

Breast Cancer Information Core (BIC) (BRCA1)
Classification: Pathogenic for Breast-ovarian cancer, familial 1. Last evaluated: 2002-05-29. Review status: no assertion criteria provided. Collection method: clinical testing. Allele origin: germline. Affected: yes. Observed: 1 variant allele. Not counted in ClinVar's aggregate classification.

Literature cited by the submitters: PubMed 20104584 (cited by Labcorp Genetics (formerly Invitae), Labcorp and Variantyx, Inc.); PubMed 26681312 (cited by Labcorp Genetics (formerly Invitae), Labcorp); PubMed 11157798 (cited by Variantyx, Inc.).